The following is an entry in ClinVar:

ClinVar aggregate classification (germline): Uncertain significance (1 of 4 stars; one submission).

Conditions:
Brugada syndrome 4 (BRGDA4). Identifiers: Orphanet 130, MedGen C2678477, MONDO:0012743, OMIM 611876.

gnomAD v4.1: 3 of 1,614,066 alleles (0.00019%); highest among the groups gnomAD compares: East Asian, 0.0022%; no homozygotes.

Submission:

Labcorp Genetics (formerly Invitae), Labcorp
Classification: Uncertain significance for Brugada syndrome 4. Last evaluated: 2024-11-16. Review status: criteria provided, single submitter. Criteria: Invitae Variant Classification Sherloc (09022015). Collection method: clinical testing. Allele origin: germline.
Comment: This sequence change replaces glutamine, which is neutral and polar, with arginine, which is basic and polar, at codon 506 of the CACNB2 protein (p.Gln506Arg). This variant is present in population databases (rs762071907, gnomAD 0.006%). This variant has not been reported in the literature in individuals affected with CACNB2-related conditions. Invitae Evidence Modeling of protein sequence and biophysical properties (such as structural, functional, and spatial information, amino acid conservation, physicochemical variation, residue mobility, and thermodynamic stability) indicates that this missense variant is not expected to disrupt CACNB2 protein function with a negative predictive value of 80%. In summary, the available evidence is currently insufficient to determine the role of this variant in disease. Therefore, it has been classified as a Variant of Uncertain Significance.

NM_201596.3(CACNB2):c.1679A>G (p.Gln560Arg)

Gene: CACNB2 (calcium voltage-gated channel auxiliary subunit beta 2; plus strand). Cytogenetic location: 10p12.31.
Variant type: single nucleotide variant.
Coding change: c.1679A>G on transcript NM_201596.3 (MANE Select); coding-DNA position 1679, A replaced by G.
Protein change: p.Gln560Arg; replaces glutamine 560 with arginine.
Molecular consequence: missense variant.
Genome position (GRCh38, 1-based): chr10:18,539,420, A>G. VCF-style: chr10-18539420-A-G. GRCh37 (hg19) VCF-style: chr10-18828349-A-G.
Other names: c.1421A>G, p.Gln474Arg (NM_001410882.1); c.1514A>G, p.Gln505Arg (NM_000724.4); c.1481A>G, p.Gln494Arg (NM_001167945.2); c.1400A>G, p.Gln467Arg (NM_001330060.2); c.1523A>G, p.Gln508Arg (NM_201572.4); c.1517A>G, p.Gln506Arg (NM_201590.3); c.1565A>G, p.Gln522Arg (NM_201593.3); c.1607A>G, p.Gln536Arg (NM_201597.3); and 2 more; short protein forms Q467R, Q474R, Q494R, Q505R, Q506R, Q508R, Q512R, Q522R.
Identifiers: ClinVar variation 3628247 (VCV003628247.2).
Genomic context (GRCh38, chr10:18,539,420, plus strand): 5'-ACCATCGCAGTGGGACAAGTCGCGGCCTCTCCAGGCAAGAGACATTTGACTCGGAAACCC[A>G]GGAGAGTCGAGACTCTGCCTACGTAGAGCCAAAGGAAGATTATTCCCATGACCACGTGGA-3'
Protein context (NP_963890.2, residues 550-570): SRQETFDSET[Gln560Arg]ESRDSAYVEP